The following is an entry in ClinVar:

NM_201384.3(PLEC):c.10536C>A (p.Phe3512Leu)

Gene: PLEC (plectin; minus strand). Cytogenetic location: 8q24.3.
Variant type: single nucleotide variant.
Coding change: c.10536C>A on transcript NM_201384.3 (MANE Select); coding-DNA position 10536, C replaced by A.
Protein change: p.Phe3512Leu; replaces phenylalanine 3512 with leucine.
Molecular consequence: missense variant.
Genome position (GRCh38, 1-based): chr8:143,919,285, G>T on the plus strand (C>A on the coding strand, the complement: PLEC is on the minus strand). VCF-style: chr8-143919285-G-T. GRCh37 (hg19) VCF-style: chr8-144993453-G-T.
Other names: c.10617C>A (NM_000445.3); c.10617C>A, p.Phe3539Leu (NM_000445.5); c.10494C>A, p.Phe3498Leu (NM_201378.4); c.10470C>A, p.Phe3490Leu (NM_201379.3); c.10947C>A, p.Phe3649Leu (NM_201380.4); c.10440C>A, p.Phe3480Leu (NM_201381.3); c.10536C>A, p.Phe3512Leu (NM_201382.4); c.10548C>A, p.Phe3516Leu (NM_201383.3); short protein forms F3498L, F3516L, F3539L, F3512L, F3649L, F3490L, F3480L.
Identifiers: ClinVar variation 640620 (VCV000640620.14), dbSNP rs184952405, ClinGen allele CA4924618.

ClinVar aggregate classification (germline): Uncertain significance. Review status: criteria provided, multiple submitters, no conflicts (2 of 4 stars). 3 submissions from 3 submitters: Uncertain significance (3). Last evaluated 2024-11-25.

Conditions:
Inborn genetic diseases. Identifiers: MedGen C0950123, MeSH D030342.
Epidermolysis bullosa simplex, Ogna type (EBS5A). Also called: Pidermolysis bullosa simplex 5A, Ogna type; EPIDERMOLYSIS BULLOSA SIMPLEX 5A, OGNA TYPE. Identifiers: Orphanet 79401, MedGen C0432317, MONDO:0007555, OMIM 131950.
Autosomal recessive limb-girdle muscular dystrophy type 2Q (LGMDR17). Also called: MUSCULAR DYSTROPHY, LIMB-GIRDLE, AUTOSOMAL RECESSIVE 17. Identifiers: Orphanet 254361, MedGen C3150989, MONDO:0013390, OMIM 613723.
Epidermolysis bullosa simplex with nail dystrophy (EBS5D). Identifiers: MedGen C4225309, MONDO:0014661, OMIM 616487.
Epidermolysis bullosa simplex 5B, with muscular dystrophy (EBS5B). Also called: Epidermolysis bullosa simplex with muscular dystrophy; EPIDERMOLYSIS BULLOSA SIMPLEX AND LIMB-GIRDLE MUSCULAR DYSTROPHY. Identifiers: Orphanet 257, MedGen C2931072, MONDO:0009181, OMIM 226670.
Epidermolysis bullosa simplex 5C, with pyloric atresia (EBS5C). Also called: PLEC-Related Epidermolysis Bullosa with Pyloric Atresia; Epidermolysis bullosa simplex with pyloric atresia; PLEC1-Related Epidermolysis Bullosa with Pyloric Atresia. Identifiers: Orphanet 158684, MedGen C2677349, MONDO:0012807, OMIM 612138.

Allele frequency attached by ClinVar (database versions not stated): TOPMed 0.00002; ExAC 0.00007; 1000 Genomes Project 30x 0.00016; 1000 Genomes Project 0.00020.
gnomAD v4.1: 21 of 1,614,030 alleles (0.0013%); highest among the groups gnomAD compares: East Asian, 0.04%; no homozygotes.

Submissions (3):

Ambry Genetics
Classification: Uncertain significance for Inborn genetic diseases. Last evaluated: 2024-11-25. Review status: criteria provided, single submitter. Criteria: Ambry Variant Classification Scheme 2023. Collection method: clinical testing. Allele origin: germline.

Labcorp Genetics (formerly Invitae), Labcorp
Classification: Uncertain significance for Autosomal recessive limb-girdle muscular dystrophy type 2Q; Epidermolysis bullosa simplex, Ogna type; Epidermolysis bullosa simplex with nail dystrophy; Epidermolysis bullosa simplex 5C, with pyloric atresia; Epidermolysis bullosa simplex 5B, with muscular dystrophy. Last evaluated: 2023-11-13. Review status: criteria provided, single submitter. Criteria: Invitae Variant Classification Sherloc (09022015). Collection method: clinical testing. Allele origin: germline.
Comment: This sequence change replaces phenylalanine, which is neutral and non-polar, with leucine, which is neutral and non-polar, at codon 3539 of the PLEC protein (p.Phe3539Leu). This variant is present in population databases (rs184952405, gnomAD 0.08%). This variant has not been reported in the literature in individuals affected with PLEC-related conditions. ClinVar contains an entry for this variant (Variation ID: 640620). Advanced modeling of protein sequence and biophysical properties (such as structural, functional, and spatial information, amino acid conservation, physicochemical variation, residue mobility, and thermodynamic stability) performed at Invitae indicates that this missense variant is not expected to disrupt PLEC protein function with a negative predictive value of 80%. In summary, the available evidence is currently insufficient to determine the role of this variant in disease. Therefore, it has been classified as a Variant of Uncertain Significance.

Revvity Omics, Revvity
Classification: Uncertain significance. Last evaluated: 2023-06-30. Review status: criteria provided, single submitter. Criteria: ACMG Guidelines, 2015. Collection method: clinical testing. Allele origin: germline.